The following is an entry in ClinVar:

NM_005633.4(SOS1):c.143T>C (p.Val48Ala)

Gene: SOS1 (SOS Ras/Rac guanine nucleotide exchange factor 1; minus strand). Cytogenetic location: 2p22.1.
Variant type: single nucleotide variant.
Coding change: c.143T>C on transcript NM_005633.4 (MANE Select); coding-DNA position 143, T replaced by C.
Protein change: p.Val48Ala; replaces valine 48 with alanine.
Molecular consequence: missense variant.
Genome position (GRCh38, 1-based): chr2:39,067,698, A>G on the plus strand (T>C on the coding strand, the complement: SOS1 is on the minus strand). VCF-style: chr2-39067698-A-G. GRCh37 (hg19) VCF-style: chr2-39294839-A-G.
Other names: c.122T>C, p.Val41Ala (NM_001382394.1); c.143T>C, p.Val48Ala (NM_001382395.1); short protein forms V41A.
Identifiers: ClinVar variation 167715 (VCV000167715.23), dbSNP rs373898570, ClinGen allele CA234979.
Genomic context (GRCh38, chr2:39,067,698, plus strand): 5'-GAAGCACTTCGGGGCTGAGCTTGGCATAGCATATTTAATAATTGCAAAATTAATTCTTCA[A>G]CATACTGAAGAGCATCATCATTAGACTCGAGAGTAGGATGAACTTGCCCCTGGACCTATA-3'
Protein context (NP_005624.2, residues 38-58): LESNDDALQY[Val48Ala]EELILQLLNM

ClinVar aggregate classification (germline): Uncertain significance. Review status: criteria provided, multiple submitters, no conflicts (2 of 4 stars). 8 submissions from 7 submitters: Uncertain significance (8). Last evaluated 2026-08-03.

Conditions:
SOS1-related disorder. Also called: SOS1-related condition.
Cardiovascular phenotype. Identifiers: MedGen CN230736.
RASopathy. Also called: rasopathies; Noonan spectrum disorder. Identifiers: Orphanet 536391, MedGen C5555857, MONDO:0021060.
Fibromatosis, gingival, 1 (GINGF1). Identifiers: Orphanet 2024, MedGen C4551558, MONDO:0007609, OMIM 135300.
Noonan syndrome 4 (NS4). Also called: NOONAN SYNDROME WITH PIGMENTED VILLONODULAR SYNOVITIS; SOS1-Related Noonan Syndrome. Identifiers: Orphanet 648, MedGen C1853120, MONDO:0012547, OMIM 610733.

Allele frequency attached by ClinVar (database versions not stated): gnomAD 0.00001; TOPMed 0.00001; gnomAD exomes 0.00002 and 0.00001; ESP Exome Variant Server 0.00015; ExAC 0.00002.
gnomAD v4.1: 24 of 1,608,698 alleles (0.0015%); highest among the groups gnomAD compares: South Asian, 0.0022%; no homozygotes.

Submissions (8):

PreventionGenetics, part of Exact Sciences
Classification: Uncertain significance for SOS1-related condition. Last evaluated: 2026-08-03. Review status: criteria provided, single submitter. Criteria: ACMG Guidelines, 2015. Collection method: clinical testing. Allele origin: germline.
Comment: The SOS1 c.143T>C variant is predicted to result in the amino acid substitution p.Val48Ala. To our knowledge, this variant has not been reported in the literature. This variant is reported in 0.0026% of alleles in individuals of European (Non-Finnish) descent in gnomAD. At this time, the clinical significance of this variant is uncertain due to the absence of conclusive functional and genetic evidence.

Women's Health and Genetics/Laboratory Corporation of America, LabCorp
Classification: Uncertain significance. Last evaluated: 2026-06-30. Review status: criteria provided, single submitter. Criteria: LabCorp Variant Classification Summary - May 2015. Collection method: clinical testing. Allele origin: germline.

GeneDx
Classification: Uncertain significance. Last evaluated: 2025-07-29. Review status: criteria provided, single submitter. Criteria: GeneDx Variant Classification Process June 2021. Collection method: clinical testing. Allele origin: germline.
Comment: Missense variants in this gene are a common cause of disease and they are underrepresented in the general population; In silico analysis supports that this missense variant has a deleterious effect on protein structure/function; Has not been previously published as pathogenic or benign to our knowledge; This variant is associated with the following publications: (PMID: 29493581)

Labcorp Genetics (formerly Invitae), Labcorp
Classification: Uncertain significance for RASopathy. Last evaluated: 2025-06-08. Review status: criteria provided, single submitter. Criteria: Invitae Variant Classification Sherloc (09022015). Collection method: clinical testing. Allele origin: germline.
Comment: This sequence change replaces valine, which is neutral and non-polar, with alanine, which is neutral and non-polar, at codon 48 of the SOS1 protein (p.Val48Ala). This variant is present in population databases (rs373898570, gnomAD 0.002%). This variant has not been reported in the literature in individuals affected with SOS1-related conditions. ClinVar contains an entry for this variant (Variation ID: 167715). Invitae Evidence Modeling of protein sequence and biophysical properties (such as structural, functional, and spatial information, amino acid conservation, physicochemical variation, residue mobility, and thermodynamic stability) has been performed for this missense variant. However, the output from this modeling did not meet the statistical confidence thresholds required to predict the impact of this variant on SOS1 protein function. In summary, the available evidence is currently insufficient to determine the role of this variant in disease. Therefore, it has been classified as a Variant of Uncertain Significance.

Ambry Genetics
Classification: Uncertain significance for Cardiovascular phenotype. Last evaluated: 2025-02-06. Review status: criteria provided, single submitter. Criteria: Ambry Variant Classification Scheme 2023. Collection method: clinical testing. Allele origin: germline.
Comment: The p.V48A variant (also known as c.143T>C), located in coding exon 2 of the SOS1 gene, results from a T to C substitution at nucleotide position 143. The valine at codon 48 is replaced by alanine, an amino acid with similar properties. This amino acid position is conserved. In addition, this alteration is predicted to be deleterious by in silico analysis. Since supporting evidence is limited at this time, the clinical significance of this alteration remains unclear.

Eurofins Ntd Llc (ga)
Classification: Uncertain significance. Last evaluated: 2013-12-03. Review status: criteria provided, single submitter. Criteria: EGL Classification Definitions 2015. Collection method: clinical testing. Allele origin: germline. Observed: 2 variant alleles, 2 heterozygotes.

Genome-Nilou Lab
Classification: Uncertain significance for Noonan syndrome 4. Review status: criteria provided, single submitter. Criteria: ACMG Guidelines, 2015. Collection method: clinical testing. Allele origin: germline.

Genome-Nilou Lab
Classification: Uncertain significance for Fibromatosis, gingival, 1. Review status: criteria provided, single submitter. Criteria: ACMG Guidelines, 2015. Collection method: clinical testing. Allele origin: germline.